The following is an entry in ClinVar:

ClinVar aggregate classification (germline): Likely benign (1 of 4 stars; one submission).

gnomAD v4.1: 306 of 1,593,928 alleles (0.019%); highest among the groups gnomAD compares: Middle Eastern, 0.28%; 2 homozygotes.

Submission:

CeGaT Center for Human Genetics Tuebingen
Classification: Likely benign. Last evaluated: 2025-08-01. Review status: criteria provided, single submitter. Criteria: CeGaT Center For Human Genetics Tuebingen Variant Classification Criteria Version 2. Collection method: clinical testing. Allele origin: germline. Affected: yes. Observed: 1 variant allele.
Comment: PDCD6IP: BP4, BS2

NM_013374.6(PDCD6IP):c.2308T>C (p.Ser770Pro)

Gene: PDCD6IP (programmed cell death 6 interacting protein; plus strand). Cytogenetic location: 3p22.3.
Variant type: single nucleotide variant.
Coding change: c.2308T>C on transcript NM_013374.6 (MANE Select); coding-DNA position 2308, T replaced by C.
Protein change: p.Ser770Pro; replaces serine 770 with proline.
Molecular consequence: missense variant.
Genome position (GRCh38, 1-based): chr3:33,865,306, T>C. VCF-style: chr3-33865306-T-C. GRCh37 (hg19) VCF-style: chr3-33906798-T-C.
Other names: c.2323T>C, p.Ser775Pro (NM_001162429.3); short protein forms S770P, S775P.
Identifiers: ClinVar variation 4083727 (VCV004083727.8).